The following is an entry in ClinVar:

NM_017849.4(TMEM127):c.590G>A (p.Arg197His)

Gene: TMEM127 (transmembrane protein 127; minus strand). Cytogenetic location: 2q11.2.
Variant type: single nucleotide variant.
Coding change: c.590G>A on transcript NM_017849.4 (MANE Select); coding-DNA position 590, G replaced by A.
Protein change: p.Arg197His; replaces arginine 197 with histidine.
Molecular consequence: missense variant.
Genome position (GRCh38, 1-based): chr2:96,253,935, C>T on the plus strand (G>A on the coding strand, the complement: TMEM127 is on the minus strand). VCF-style: chr2-96253935-C-T. GRCh37 (hg19) VCF-style: chr2-96919673-C-T.
Other names: c.590G>A, p.Arg197His (NM_001193304.3); short protein forms R197H.
Identifiers: ClinVar variation 486543 (VCV000486543.14), dbSNP rs1231066976, ClinGen allele CA347652142.

ClinVar aggregate classification (germline): Uncertain significance. Review status: criteria provided, multiple submitters, no conflicts (2 of 4 stars). 3 submissions from 3 submitters: Uncertain significance (3). Last evaluated 2025-12-28.

Conditions:
Hereditary cancer-predisposing syndrome. Also called: Neoplastic Syndromes, Hereditary; Hereditary neoplastic syndrome; Tumor predisposition; Hereditary Cancer Syndrome. Identifiers: Orphanet 140162, MedGen C0027672, MeSH D009386, MONDO:0015356.
Hereditary pheochromocytoma and paraganglioma. Also called: Hereditary Paraganglioma-Pheochromocytoma Syndromes; Hereditary paragangliomas and pheochromocytomas; Hereditary pheochromocytoma-paraganglioma. Identifiers: Orphanet 29072, MedGen C4274332, MONDO:0017366.

Allele frequency attached by ClinVar (database versions not stated): gnomAD 0.00001; gnomAD exomes 0.00001; TOPMed 0.00002.
gnomAD v4.1: 14 of 1,613,834 alleles (0.00087%); highest among the groups gnomAD compares: Admixed American, 0.0017%; no homozygotes.

Submissions (3):

Labcorp Genetics (formerly Invitae), Labcorp
Classification: Uncertain significance for Hereditary pheochromocytoma and paraganglioma. Last evaluated: 2025-12-28. Review status: criteria provided, single submitter. Criteria: Invitae Variant Classification Sherloc (09022015). Collection method: clinical testing. Allele origin: germline.
Comment: This sequence change replaces arginine, which is basic and polar, with histidine, which is basic and polar, at codon 197 of the TMEM127 protein (p.Arg197His). This variant is present in population databases (no rsID available, gnomAD 0.003%). This variant has not been reported in the literature in individuals affected with TMEM127-related conditions. ClinVar contains an entry for this variant (Variation ID: 486543). An algorithm developed to predict the effect of missense changes on protein structure and function (PolyPhen-2) suggests that this variant is likely to be tolerated. In summary, the available evidence is currently insufficient to determine the role of this variant in disease. Therefore, it has been classified as a Variant of Uncertain Significance.

Ambry Genetics
Classification: Uncertain significance for Hereditary cancer-predisposing syndrome. Last evaluated: 2025-02-28. Review status: criteria provided, single submitter. Criteria: Ambry Variant Classification Scheme 2023. Collection method: clinical testing. Allele origin: germline.

GeneDx
Classification: Uncertain significance. Last evaluated: 2023-05-24. Review status: criteria provided, single submitter. Criteria: GeneDx Variant Classification Process June 2021. Collection method: clinical testing. Allele origin: germline. Affected: yes.
Comment: Not observed at significant frequency in large population cohorts (gnomAD); In silico analysis supports that this missense variant has a deleterious effect on protein structure/function; Has not been previously published as pathogenic or benign to our knowledge